The following is an entry in ClinVar:

NM_004385.5(VCAN):c.403G>A (p.Gly135Arg)

Gene: VCAN (versican; plus strand). Cytogenetic location: 5q14.2.
Variant type: single nucleotide variant.
Coding change: c.403G>A on transcript NM_004385.5 (MANE Select); coding-DNA position 403, G replaced by A.
Protein change: p.Gly135Arg; replaces glycine 135 with arginine.
Molecular consequence: missense variant.
Genome position (GRCh38, 1-based): chr5:83,490,430, G>A. VCF-style: chr5-83490430-G-A. GRCh37 (hg19) VCF-style: chr5-82786249-G-A.
Other names: c.403G>A, p.Gly135Arg (NM_001126336.3, NM_001164097.2, NM_001164098.2); short protein forms G135R.
Identifiers: ClinVar variation 1024236 (VCV001024236.8), dbSNP rs201274252, ClinGen allele CA3332447.

ClinVar aggregate classification (germline): Uncertain significance (1 of 4 stars; one submission).

Allele frequency attached by ClinVar (database versions not stated): gnomAD 0.00007 and 0.00009; ESP Exome Variant Server 0.00008; TOPMed 0.00011.
gnomAD v4.1: 79 of 1,614,036 alleles (0.0049%); highest among the groups gnomAD compares: Admixed American, 0.0083%; no homozygotes.

Submission:

Labcorp Genetics (formerly Invitae), Labcorp
Classification: Uncertain significance. Last evaluated: 2025-12-01. Review status: criteria provided, single submitter. Criteria: Invitae Variant Classification Sherloc (09022015). Collection method: clinical testing. Allele origin: germline.
Comment: This sequence change replaces glycine, which is neutral and non-polar, with arginine, which is basic and polar, at codon 135 of the VCAN protein (p.Gly135Arg). This variant is present in population databases (rs201274252, gnomAD 0.007%). This missense change has been observed in individual(s) with clinical features of retinitis pigmentosa (internal data). ClinVar contains an entry for this variant (Variation ID: 1024236). An algorithm developed to predict the effect of missense changes on protein structure and function (PolyPhen-2) suggests that this variant is likely to be disruptive. In summary, the available evidence is currently insufficient to determine the role of this variant in disease. Therefore, it has been classified as a Variant of Uncertain Significance.